The following is an entry in ClinVar:

NM_020191.4(MRPS22):c.283A>C (p.Ile95Leu)

Gene: MRPS22 (mitochondrial ribosomal protein S22; plus strand). Cytogenetic location: 3q23.
Variant type: single nucleotide variant.
Coding change: c.283A>C on transcript NM_020191.4 (MANE Select); coding-DNA position 283, A replaced by C.
Protein change: p.Ile95Leu; replaces isoleucine 95 with leucine.
Molecular consequence: missense variant.
Genome position (GRCh38, 1-based): chr3:139,346,988, A>C. VCF-style: chr3-139346988-A-C. GRCh37 (hg19) VCF-style: chr3-139065830-A-C.
Other names: p.I95L:ATA>CTA; c.160A>C, p.Ile54Leu (NM_001363857.1); c.280A>C, p.Ile94Leu (NM_001363893.1); short protein forms I95L, I54L, I94L.
Identifiers: ClinVar variation 138251 (VCV000138251.25), dbSNP rs73866065, ClinGen allele CA292141.

ClinVar aggregate classification (germline): Benign. Review status: criteria provided, multiple submitters, no conflicts (2 of 4 stars). 6 submissions from 6 submitters: Benign (6). Last evaluated 2026-01-27.

Conditions:
Hypotonia with lactic acidemia and hyperammonemia. Identifiers: Orphanet 137908, MedGen C2673642, MONDO:0012718, OMIM 611719.

Allele frequency attached by ClinVar (database versions not stated): gnomAD 0.01879; 1000 Genomes Project 30x 0.01921; 1000 Genomes Project 0.01997; TOPMed 0.02156; ESP Exome Variant Server 0.02307.
gnomAD v4.1: 6,546 of 1,614,190 alleles (0.41%); highest among the groups gnomAD compares: African/African-American, 7%; 191 homozygotes.

Submissions (6):

Labcorp Genetics (formerly Invitae), Labcorp
Classification: Benign. Last evaluated: 2026-01-27. Review status: criteria provided, single submitter. Criteria: Invitae Variant Classification Sherloc (09022015). Collection method: clinical testing. Allele origin: germline.

ARUP Laboratories, Molecular Genetics and Genomics, ARUP Laboratories
Classification: Benign. Last evaluated: 2020-06-19. Review status: criteria provided, single submitter. Criteria: ARUP Molecular Germline Variant Investigation Process. Collection method: clinical testing. Allele origin: germline.

Illumina Laboratory Services, Illumina
Classification: Benign for Hypotonia with lactic acidemia and hyperammonemia. Last evaluated: 2018-01-12. Review status: criteria provided, single submitter. Criteria: ICSL Variant Classification Criteria 13 December 2019. Collection method: clinical testing. Allele origin: germline.
Comment: This variant was observed in the ICSL laboratory as part of a predisposition screen in an ostensibly healthy population. It had not been previously curated by ICSL or reported in the Human Gene Mutation Database (HGMD: prior to June 1st, 2018), and was therefore a candidate for classification through an automated scoring system. Utilizing variant allele frequency, disease prevalence and penetrance estimates, and inheritance mode, an automated score was calculated to assess if this variant is too frequent to cause the disease. Based on the score and internal cut-off values, a variant classified as benign is not then subjected to further curation. The score for this variant resulted in a classification of benign for this disease.

Center for Pediatric Genomic Medicine, Children's Mercy Hospital and Clinics
Classification: Benign. Last evaluated: 2015-09-28. Review status: criteria provided, single submitter. Criteria: ACMG Guidelines, 2015. Collection method: clinical testing. Allele origin: germline.

GeneDx
Classification: Benign. Last evaluated: 2013-12-26. Review status: criteria provided, single submitter. Criteria: GeneDx Variant Classification (06012015). Collection method: clinical testing. Allele origin: germline. Affected: yes.
Comment: This variant is considered likely benign or benign based on one or more of the following criteria: it is a conservative change, it occurs at a poorly conserved position in the protein, it is predicted to be benign by multiple in silico algorithms, and/or has population frequency not consistent with disease.

Breakthrough Genomics
Classification: Benign. Review status: criteria provided, single submitter. Criteria: ACMG Guidelines, 2015. Collection method: not provided. Allele origin: germline. Inheritance: Autosomal recessive inheritance. Affected: yes.